The following is an entry in ClinVar:

NM_000059.4(BRCA2):c.2111del (p.Pro704fs)

Gene: BRCA2 (BRCA2 DNA repair associated; plus strand). Cytogenetic location: 13q13.1.
Variant type: Deletion.
Coding change: c.2111del on transcript NM_000059.4 (MANE Select); coding-DNA position 2111, one base deleted (C; older notation c.2111delC).
Protein change: p.Pro704fs; shifts the reading frame from proline 704.
Molecular consequence: frameshift variant.
Genome position (GRCh38, 1-based): chr13:32,336,466, C deleted; the last of 4 consecutive C bases (chr13:32,336,463-32,336,466); deleting any one gives the same sequence. VCF-style (leftmost placement, unchanged base first): chr13-32336462-AC-A. GRCh37 (hg19) VCF-style: chr13-32910599-AC-A.
Other names: 2336delC; short protein forms P704fs.
Identifiers: ClinVar variation 266677 (VCV000266677.8), dbSNP rs886040404, ClinGen allele CA10589135.

ClinVar aggregate classification (germline): Pathogenic. Review status: reviewed by expert panel (3 of 4 stars). 3 submissions from 3 submitters: Pathogenic (1). 2 of the submissions do not count toward it. Last evaluated 2016-10-18.

Conditions:
Hereditary cancer-predisposing syndrome. Also called: Tumor predisposition; Neoplastic Syndromes, Hereditary; Hereditary neoplastic syndrome; Hereditary Cancer Syndrome. Identifiers: Orphanet 140162, MedGen C0027672, MeSH D009386, MONDO:0015356.
Breast-ovarian cancer, familial, susceptibility to, 2 (BROVCA2). Also called: BRCA2 Hereditary Breast and Ovarian Cancer. Identifiers: Orphanet 145, MedGen C2675520, MONDO:0012933, OMIM 612555. Disease mechanism: loss of function.

Submissions (3):

Evidence-based Network for the Interpretation of Germline Mutant Alleles (ENIGMA)
Classification: Pathogenic for Breast-ovarian cancer, familial, susceptibility to, 2. Last evaluated: 2016-10-18. Review status: reviewed by expert panel. Criteria: ENIGMA BRCA1/2 Classification Criteria (2015). Collection method: curation. Allele origin: germline.
Comment: Variant allele predicted to encode a truncated non-functional protein.

Color Diagnostics, LLC DBA Color Health
Classification: Pathogenic for Hereditary cancer-predisposing syndrome. Last evaluated: 2020-01-15. Review status: criteria provided, single submitter. Criteria: ACMG Guidelines, 2015. Collection method: clinical testing. Allele origin: germline. Not counted in ClinVar's aggregate classification.
Comment: This variant deletes 1 nucleotide in exon 11 of the BRCA2 gene, creating a frameshift and premature translation stop signal. This variant is expected to result in an absent or non-functional protein product. This variant has not been identified in the general population by the Genome Aggregation Database (gnomAD). Loss of BRCA2 function is a known mechanism of disease. Based on the available evidence, this variant is classified as Pathogenic.

Consortium of Investigators of Modifiers of BRCA1/2 (CIMBA), c/o University of Cambridge
Classification: Pathogenic for Breast-ovarian cancer, familial, susceptibility to, 2. Last evaluated: 2015-10-02. Review status: criteria provided, single submitter. Criteria: CIMBA Mutation Classification guidelines May 2016. Collection method: clinical testing. Allele origin: germline. Not counted in ClinVar's aggregate classification.